The following is an entry in ClinVar:

NM_015311.3(OBSL1):c.3128G>A (p.Arg1043His)

Gene: OBSL1 (obscurin like cytoskeletal adaptor 1; minus strand). Cytogenetic location: 2q35.
Variant type: single nucleotide variant.
Coding change: c.3128G>A on transcript NM_015311.3 (MANE Select); coding-DNA position 3128, G replaced by A.
Protein change: p.Arg1043His; replaces arginine 1043 with histidine.
Molecular consequence: missense variant.
Genome position (GRCh38, 1-based): chr2:219,559,323, C>T on the plus strand (G>A on the coding strand, the complement: OBSL1 is on the minus strand). VCF-style: chr2-219559323-C-T. GRCh37 (hg19) VCF-style: chr2-220424045-C-T.
Other names: c.3128G>A, p.Arg1043His (NM_001173431.2); c.3128G>A (NM_015311.2); short protein forms R1043H.
Identifiers: ClinVar variation 597737 (VCV000597737.9), dbSNP rs200234534, ClinGen allele CA2130957.

ClinVar aggregate classification (germline): Uncertain significance. Review status: criteria provided, multiple submitters, no conflicts (2 of 4 stars). 3 submissions from 3 submitters: Uncertain significance (3). Last evaluated 2023-08-04.

Conditions:
Inborn genetic diseases. Identifiers: MedGen C0950123, MeSH D030342.

Allele frequency attached by ClinVar (database versions not stated): ExAC 0.00010; gnomAD exomes 0.00010 and 0.00015; TOPMed 0.00017; gnomAD 0.00022 and 0.00025; 1000 Genomes Project 30x 0.00031; ESP Exome Variant Server 0.00039; 1000 Genomes Project 0.00040.
gnomAD v4.1: 267 of 1,613,966 alleles (0.017%); highest among the groups gnomAD compares: African/African-American, 0.057%; 2 homozygotes.

Submissions (3):

Labcorp Genetics (formerly Invitae), Labcorp
Classification: Uncertain significance. Last evaluated: 2023-08-04. Review status: criteria provided, single submitter. Criteria: Invitae Variant Classification Sherloc (09022015). Collection method: clinical testing. Allele origin: germline.
Comment: This sequence change replaces arginine, which is basic and polar, with histidine, which is basic and polar, at codon 1043 of the OBSL1 protein (p.Arg1043His). This variant is present in population databases (rs200234534, gnomAD 0.05%). This variant has not been reported in the literature in individuals affected with OBSL1-related conditions. ClinVar contains an entry for this variant (Variation ID: 597737). Algorithms developed to predict the effect of missense changes on protein structure and function output the following: SIFT: "Not Available"; PolyPhen-2: "Benign"; Align-GVGD: "Not Available". The histidine amino acid residue is found in multiple mammalian species, which suggests that this missense change does not adversely affect protein function. In summary, the available evidence is currently insufficient to determine the role of this variant in disease. Therefore, it has been classified as a Variant of Uncertain Significance.

Ambry Genetics
Classification: Uncertain significance for Inborn genetic diseases. Last evaluated: 2021-07-06. Review status: criteria provided, single submitter. Criteria: Ambry Variant Classification Scheme 2023. Collection method: clinical testing. Allele origin: germline.

Eurofins Ntd Llc (ga)
Classification: Uncertain significance. Last evaluated: 2018-07-03. Review status: criteria provided, single submitter. Criteria: EGL ClinVar v180209 classification definitions. Collection method: clinical testing. Allele origin: germline. Observed: 1 variant allele, 1 heterozygote.